The following is an entry in ClinVar:

NM_016492.5(RANGRF):c.268T>C (p.Leu90=)

Genes: RANGRF (RAN guanine nucleotide release factor; plus strand), SLC25A35 (solute carrier family 25 member 35; minus strand), LOC130060243 (ATAC-STARR-seq lymphoblastoid active region 11694; plus strand). Cytogenetic location: 17p13.1.
Variant type: single nucleotide variant.
Coding change: c.268T>C on transcript NM_016492.5 (MANE Select); coding-DNA position 268, T replaced by C.
Protein change: p.Leu90=; no amino-acid change (leucine 90 retained).
Molecular consequence: synonymous variant. On other transcripts: 3 prime UTR variant (2), non-coding transcript variant (2), intron variant (1).
Genome position (GRCh38, 1-based): chr17:8,289,331, T>C. VCF-style: chr17-8289331-T-C. GRCh37 (hg19) VCF-style: chr17-8192649-T-C.
Other names: c.268T>C, p.Leu90= (NM_001177801.2, NM_001177802.2, NM_001330127.2); c.*152A>G (NM_001320872.2); c.*285A>G (NM_201520.3); c.*42+243A>G (NM_001320871.2).
Identifiers: ClinVar variation 285529 (VCV000285529.18), dbSNP rs138959557, ClinGen allele CA8374379.

ClinVar aggregate classification (germline): Benign. Review status: criteria provided, multiple submitters, no conflicts (2 of 4 stars). 3 submissions from 3 submitters: Benign (3). Last evaluated 2026-02-03.

Conditions:
Cardiac arrhythmia. Also called: Arrhythmia; Cardiac rhythm disease. Identifiers: MedGen C0003811, MONDO:0007263, HP:0011675.

Allele frequency attached by ClinVar (database versions not stated): ESP Exome Variant Server 0.00292; TOPMed 0.00332; 1000 Genomes Project 0.00539; gnomAD 0.00338 and 0.00320; 1000 Genomes Project 30x 0.00500; ExAC 0.00103; gnomAD exomes 0.00076.
gnomAD v4.1: 950 of 1,614,148 alleles (0.059%); highest among the groups gnomAD compares: African/African-American, 1.2%; 3 homozygotes.

Submissions (3):

Labcorp Genetics (formerly Invitae), Labcorp
Classification: Benign for Cardiac arrhythmia. Last evaluated: 2026-02-03. Review status: criteria provided, single submitter. Criteria: Invitae Variant Classification Sherloc (09022015). Collection method: clinical testing. Allele origin: germline.

GeneDx
Classification: Benign. Last evaluated: 2017-04-10. Review status: criteria provided, single submitter. Criteria: GeneDx Variant Classification (06012015). Collection method: clinical testing. Allele origin: germline. Affected: yes.
Comment: This variant is considered likely benign or benign based on one or more of the following criteria: it is a conservative change, it occurs at a poorly conserved position in the protein, it is predicted to be benign by multiple in silico algorithms, and/or has population frequency not consistent with disease.

Eurofins Ntd Llc (ga)
Classification: Benign. Last evaluated: 2016-02-08. Review status: criteria provided, single submitter. Criteria: EGL Classification Definitions 2015. Collection method: clinical testing. Allele origin: germline. Observed: 1 variant allele, 1 heterozygote.